The following is an entry in ClinVar:

NM_003072.5(SMARCA4):c.709G>T (p.Gly237Cys)

Gene: SMARCA4 (SWI/SNF related BAF chromatin remodeling complex subunit ATPase 4; plus strand). Cytogenetic location: 19p13.2.
Variant type: single nucleotide variant.
Coding change: c.709G>T on transcript NM_003072.5 (MANE Select); coding-DNA position 709, G replaced by T.
Protein change: p.Gly237Cys; replaces glycine 237 with cysteine.
Molecular consequence: missense variant. On other transcripts: non-coding transcript variant (1).
Genome position (GRCh38, 1-based): chr19:10,986,542, G>T. VCF-style: chr19-10986542-G-T. GRCh37 (hg19) VCF-style: chr19-11097218-G-T.
Other names: c.709G>T, p.Gly237Cys (NM_001128844.3, NM_001128845.2, NM_001128846.2 and 6 more transcripts); short protein forms G237C.
Identifiers: ClinVar variation 1757149 (VCV001757149.2), dbSNP rs1555753727, ClinGen allele CA404057110.
Genomic context (GRCh38, chr19:10,986,542, plus strand): 5'-ATGCCAACGCTACCTCCACCCTCGGTGTCCGCAACAGGACCCGGCCCTGGCCCTGGCCCT[G>T]GCCCCGGCCCGGGTCCCGGCCCGGCACCTCCAAATTACAGCAGGCCTCATGGTAAGACTG-3'
Protein context (NP_003063.2, residues 227-247): ATGPGPGPGP[Gly237Cys]PGPGPGPAPP

ClinVar aggregate classification (germline): Uncertain significance (1 of 4 stars; one submission).

Conditions:
Hereditary cancer-predisposing syndrome. Also called: Neoplastic Syndromes, Hereditary; Tumor predisposition; Hereditary Cancer Syndrome; Hereditary neoplastic syndrome. Identifiers: Orphanet 140162, MedGen C0027672, MeSH D009386, MONDO:0015356.

Submission:

Ambry Genetics
Classification: Uncertain significance for Hereditary cancer-predisposing syndrome. Last evaluated: 2021-02-19. Review status: criteria provided, single submitter. Criteria: Ambry Variant Classification Scheme 2023. Collection method: clinical testing. Allele origin: germline.
Comment: The p.G237C variant (also known as c.709G>T), located in coding exon 3 of the SMARCA4 gene, results from a G to T substitution at nucleotide position 709. The glycine at codon 237 is replaced by cysteine, an amino acid with highly dissimilar properties. This amino acid position is highly conserved in available vertebrate species. In addition, the in silico prediction for this alteration is inconclusive. Missense and in-frame variants in SMARCA4 are known to cause neurodevelopmental disorders; however, such associations with rhabdoid tumor predisposition syndrome including small cell carcinoma of the ovary-hypercalcemic type (SCCOHT) are exceedingly rare (Kosho T et al. Am J Med Genet C Semin Med Genet. 2014 Sep;166C(3):262-75; Jelinic P et al. Nat Genet. 2014 May;46(5):424-6). Based on the supporting evidence, the association of this alteration with Coffin-Siris syndrome is unknown; however, the association of this alteration with rhabdoid tumor predisposition syndrome is unlikely.